The following is an entry in ClinVar:

ClinVar aggregate classification (germline): Uncertain significance (1 of 4 stars; one submission).

Conditions:
Familial thoracic aortic aneurysm and aortic dissection (TAAD). Also called: Thoracic aortic aneurysms and dissections. Identifiers: Orphanet 91387, MedGen C4707243, MONDO:0019625.

Submission:

Ambry Genetics
Classification: Uncertain significance for Familial thoracic aortic aneurysm and aortic dissection. Last evaluated: 2022-07-22. Review status: criteria provided, single submitter. Criteria: Ambry Variant Classification Scheme 2023. Collection method: clinical testing. Allele origin: germline.
Comment: The p.R2108G variant (also known as c.6322C>G), located in coding exon 51 of the FBN1 gene, results from a C to G substitution at nucleotide position 6322. The arginine at codon 2108 is replaced by glycine, an amino acid with dissimilar properties. This amino acid position is well conserved in available vertebrate species. In addition, this alteration is predicted to be deleterious by in silico analysis. Since supporting evidence is limited at this time, the clinical significance of this alteration remains unclear.

NM_000138.5(FBN1):c.6322C>G (p.Arg2108Gly)

Gene: FBN1 (fibrillin 1; minus strand). Cytogenetic location: 15q21.1.
Variant type: single nucleotide variant.
Coding change: c.6322C>G on transcript NM_000138.5 (MANE Select); coding-DNA position 6322, C replaced by G.
Protein change: p.Arg2108Gly; replaces arginine 2108 with glycine.
Molecular consequence: missense variant.
Genome position (GRCh38, 1-based): chr15:48,437,379, G>C on the plus strand (C>G on the coding strand, the complement: FBN1 is on the minus strand). VCF-style: chr15-48437379-G-C. GRCh37 (hg19) VCF-style: chr15-48729576-G-C.
Other names: c.6322C>G, p.Arg2108Gly (NM_001406716.1); short protein forms R2108G.
Identifiers: ClinVar variation 1752857 (VCV001752857.2), dbSNP rs1246984265, ClinGen allele CA392336852.